The following is an entry in ClinVar:

NM_001100.4(ACTA1):c.275_277del (p.Phe92del)

Gene: ACTA1 (actin alpha 1, skeletal muscle; minus strand). Cytogenetic location: 1q42.13.
Variant type: Deletion.
Coding change: c.275_277del on transcript NM_001100.4 (MANE Select); coding-DNA positions 275 to 277, 3 bases deleted (TCT; older notation c.275_277delTCT).
Protein change: p.Phe92del; deletes phenylalanine 92.
Molecular consequence: inframe deletion.
Genome position (GRCh38, 1-based): chr1:229,432,733-229,432,735, AGA deleted on the plus strand (TCT on the coding strand, the reverse complement: ACTA1 is on the minus strand); deleting any 3 consecutive bases within chr1:229,432,733-229,432,737 gives the same sequence; the c. name uses the placement nearest the transcript's 3' end. VCF-style (leftmost placement, unchanged base first): chr1-229432732-TAGA-T. GRCh37 (hg19) VCF-style: chr1-229568479-TAGA-T.
Other names: c.275_277delTCT (NM_001100.3); short protein forms F92del.
Identifiers: ClinVar variation 570214 (VCV000570214.12), dbSNP rs1558082053, ClinGen allele CA891843098.

ClinVar aggregate classification (germline): Pathogenic/Likely pathogenic. Review status: criteria provided, multiple submitters, no conflicts (2 of 4 stars). 2 submissions from 2 submitters: Pathogenic (1); Likely pathogenic (1). Last evaluated 2025-12-16.

Conditions:
Actin accumulation myopathy (CMYO2A). Also called: CONGENITAL MYOPATHY 2A, TYPICAL, AUTOSOMAL DOMINANT; Nemaline myopathy type 3; Myopathy, actin, congenital, with excess of thin myofilaments; Myopathy, actin, congenital, with cores; Nemaline myopathy 3, with intranuclear rods. Identifiers: Orphanet 98904, MedGen C3711389, MONDO:0008070, OMIM 161800.

Submissions (2):

3billion
Classification: Likely pathogenic for Actin accumulation myopathy. Last evaluated: 2025-12-16. Review status: criteria provided, single submitter. Criteria: ACMG Guidelines, 2015. Collection method: clinical testing. Allele origin: germline. Affected: yes.
Comment: The variant is not observed in the gnomAD v4.1.0 dataset. Predicted Consequence/Location: Inframe deletion located in a nonrepeat region: predicted to change the length of the protein and disrupt normal protein function. The variant has been reported to be associated with ACTA1-related disorder (ClinVar ID: VCV000570214 /PMID: 27447704). The variant has been observed in at least two similarly affected unrelated individuals (PMID: 27447704, 30253894). Therefore, this variant is classified as Likely pathogenic according to the recommendation of ACMG/AMP guideline.

Labcorp Genetics (formerly Invitae), Labcorp
Classification: Pathogenic for Actin accumulation myopathy. Last evaluated: 2024-08-23. Review status: criteria provided, single submitter. Criteria: Invitae Variant Classification Sherloc (09022015). Collection method: clinical testing. Allele origin: germline.
Comment: This variant, c.275_277del, results in the deletion of 1 amino acid(s) of the ACTA1 protein (p.Phe92del), but otherwise preserves the integrity of the reading frame. This variant is not present in population databases (gnomAD no frequency). This variant has been observed in individual(s) with congenital myopathy (PMID: 21520333, 27447704, 30253894; internal data). In at least one individual the variant was observed to be de novo. ClinVar contains an entry for this variant (Variation ID: 570214). Experimental studies and prediction algorithms are not available or were not evaluated, and the functional significance of this variant is currently unknown. For these reasons, this variant has been classified as Pathogenic.

Literature cited by the submitters: PubMed 27447704 (cited by 3billion and Labcorp Genetics (formerly Invitae), Labcorp); PubMed 30253894 (cited by 3billion and Labcorp Genetics (formerly Invitae), Labcorp); PubMed 21520333 (cited by Labcorp Genetics (formerly Invitae), Labcorp).